The following is an entry in ClinVar:

NM_145239.3(PRRT2):c.976C>A (p.Leu326Ile)

Genes: MVP-DT (MVP divergent transcript; minus strand), PRRT2 (proline rich transmembrane protein 2; plus strand). Cytogenetic location: 16p11.2.
Variant type: single nucleotide variant.
Coding change: c.976C>A on transcript NM_145239.3 (MANE Select); coding-DNA position 976, C replaced by A.
Protein change: p.Leu326Ile; replaces leucine 326 with isoleucine.
Molecular consequence: missense variant. On other transcripts: 3 prime UTR variant (1).
Genome position (GRCh38, 1-based): chr16:29,814,429, C>A. VCF-style: chr16-29814429-C-A. GRCh37 (hg19) VCF-style: chr16-29825750-C-A.
Other names: c.976C>A, p.Leu326Ile (NM_001256442.2); c.*475C>A (NM_001256443.2); short protein forms L326I.
Identifiers: ClinVar variation 1306623 (VCV001306623.7), dbSNP rs1900142681, ClinGen allele CA395480754.
Genomic context (GRCh38, chr16:29,814,429, plus strand): 5'-GCCCAGCGTCTGGGCCGGGTAGCCAAGCTCTTAAGCATCGTGGCGCTGGTGGGGGGAGTC[C>A]TCATCATCATCGCCTCCTGCGTCATCAACTTAGGCGGTGAGTGGGGGCTTGGGACAGGCA-3'
Protein context (NP_660282.2, residues 316-336): LSIVALVGGV[Leu326Ile]IIIASCVINL

ClinVar aggregate classification (germline): Uncertain significance. Review status: criteria provided, multiple submitters, no conflicts (2 of 4 stars). 3 submissions from 3 submitters: Uncertain significance (3). Last evaluated 2025-08-16.

Conditions:
Episodic kinesigenic dyskinesia 1 (EKD1). Also called: DYSTONIA, FAMILIAL PAROXYSMAL; PxMD-PRRT2; PAROXYSMAL KINESIGENIC CHOREOATHETOSIS; Dystonia 10; PRRT2-Related Paroxysmal Kinesigenic Dyskinesia (PKD). Identifiers: Orphanet 98809, MedGen C4552000, MONDO:0100352, OMIM 128200, MONDO:0007494.
Episodic kinesigenic dyskinesia (EKD). Also called: Paroxysmal kinesigenic dyskinesia. Identifiers: Orphanet 98809, MedGen C1868682, MONDO:0044202.

Submissions (3):

Labcorp Genetics (formerly Invitae), Labcorp
Classification: Uncertain significance for Episodic kinesigenic dyskinesia. Last evaluated: 2025-08-16. Review status: criteria provided, single submitter. Criteria: Invitae Variant Classification Sherloc (09022015). Collection method: clinical testing. Allele origin: germline.
Comment: This sequence change replaces leucine, which is neutral and non-polar, with isoleucine, which is neutral and non-polar, at codon 326 of the PRRT2 protein (p.Leu326Ile). This variant is not present in population databases (gnomAD no frequency). This variant has not been reported in the literature in individuals affected with PRRT2-related conditions. ClinVar contains an entry for this variant (Variation ID: 1306623). Invitae Evidence Modeling of protein sequence and biophysical properties (such as structural, functional, and spatial information, amino acid conservation, physicochemical variation, residue mobility, and thermodynamic stability) has been performed for this missense variant. However, the output from this modeling did not meet the statistical confidence thresholds required to predict the impact of this variant on PRRT2 protein function. In summary, the available evidence is currently insufficient to determine the role of this variant in disease. Therefore, it has been classified as a Variant of Uncertain Significance.

GeneDx
Classification: Uncertain significance. Last evaluated: 2023-05-31. Review status: criteria provided, single submitter. Criteria: GeneDx Variant Classification Process June 2021. Collection method: clinical testing. Allele origin: germline. Affected: yes.
Comment: Not observed in large population cohorts (gnomAD); In silico analysis, which includes protein predictors and evolutionary conservation, supports that this variant does not alter protein structure/function; Has not been previously published as pathogenic or benign to our knowledge

Molecular Genetics, Royal Melbourne Hospital
Classification: Uncertain significance for Episodic kinesigenic dyskinesia 1. Last evaluated: 2023-03-30. Review status: criteria provided, single submitter. Criteria: ACMG Guidelines, 2015. Collection method: clinical testing. Allele origin: germline.
Comment: This sequence change is predicted to replace leucine with isoleucine at codon 326 of the PRRT2 protein, p.(Leu326Ile). The leucine residue is moderately conserved (100 vertebrates, UCSC), and is located in second C-terminus transmembrane domain of the interferon-induced transmembrane protein (CD225) domain. Pathogenic missense variants cluster in these transmembrane domains (PMID: 30980674). There is a small physicochemical difference between leucine and isoleucine. The variant is absent in a large population cohort (gnomAD v2.1). It has not been reported previously in the relevant medical literature or databases. Multiple lines of computational evidence have conflicting predictions for the missense substitution (4/7 algorithms predict deleterious). Based on the classification scheme RMH ACMG Guidelines v1.1.1, this variant is classified as a VARIANT of UNCERTAIN SIGNIFICANCE. Following criteria are met: PM1, PM2.

Literature cited by the submitters: PubMed 30980674 (cited by Molecular Genetics, Royal Melbourne Hospital).